The following is an entry in ClinVar:

ClinVar aggregate classification (germline): Benign. Review status: criteria provided, multiple submitters, no conflicts (2 of 4 stars). 3 submissions from 3 submitters: Benign (2). 1 of the submissions does not count toward it. Last evaluated 2026-01-26.

Conditions:
COL27A1-related disorder. Also called: COL27A1-related condition.

Allele frequency attached by ClinVar (database versions not stated): gnomAD 0.00052 and 0.00076; gnomAD exomes 0.00075 and 0.00159; TOPMed 0.00101; ExAC 0.00152; 1000 Genomes Project 30x 0.00297; 1000 Genomes Project 0.00359.
gnomAD v4.1: 1,208 of 1,614,150 alleles (0.075%); highest among the groups gnomAD compares: East Asian, 2.4%; 17 homozygotes.

Submissions (6):

Labcorp Genetics (formerly Invitae), Labcorp
Classification: Benign. Last evaluated: 2026-01-26. Review status: criteria provided, single submitter. Criteria: Invitae Variant Classification Sherloc (09022015). Collection method: clinical testing. Allele origin: germline.

Breakthrough Genomics
Classification: Benign. Review status: criteria provided, single submitter. Criteria: ACMG Guidelines, 2015. Collection method: not provided. Allele origin: germline. Inheritance: Autosomal recessive inheritance. Affected: yes.

PreventionGenetics, part of Exact Sciences
Classification: Benign for COL27A1-related condition. Last evaluated: 2019-05-15. Review status: no assertion criteria provided. Collection method: clinical testing. Allele origin: germline. Not counted in ClinVar's aggregate classification.
Comment: This variant is classified as benign based on ACMG/AMP sequence variant interpretation guidelines (Richards et al. 2015 PMID: 25741868, with internal and published modifications).

Dr. Peter K. Rogan Lab, Western University
No classification provided (evidence only). Condition: Malignant lymphoma, large B-cell, diffuse. Review status: no classification provided. Collection method: in vitro. Allele origin: not applicable. Functional consequence: retained intron. Not counted in ClinVar's aggregate classification.

Dr. Peter K. Rogan Lab, Western University
No classification provided (evidence only). Condition: Thymoma. Review status: no classification provided. Collection method: in vitro. Allele origin: not applicable. Functional consequence: skipped exon. Not counted in ClinVar's aggregate classification.

Dr. Peter K. Rogan Lab, Western University
No classification provided (evidence only). Condition: Thymoma. Review status: no classification provided. Collection method: in vitro. Allele origin: not applicable. Functional consequence: retained intron. Not counted in ClinVar's aggregate classification.

NM_032888.4(COL27A1):c.5168A>G (p.Asn1723Ser)

Gene: COL27A1 (collagen type XXVII alpha 1 chain; plus strand). Cytogenetic location: 9q32.
Variant type: single nucleotide variant.
Coding change: c.5168A>G on transcript NM_032888.4 (MANE Select); coding-DNA position 5168, A replaced by G.
Protein change: p.Asn1723Ser; replaces asparagine 1723 with serine.
Molecular consequence: missense variant.
Genome position (GRCh38, 1-based): chr9:114,307,729, A>G. VCF-style: chr9-114307729-A-G. GRCh37 (hg19) VCF-style: chr9-117070009-A-G.
Other names: short protein forms N1723S.
Identifiers: ClinVar variation 713476 (VCV000713476.15), dbSNP rs146977141, ClinGen allele CA5203321.
Genomic context (GRCh38, chr9:114,307,729, plus strand): 5'-GTACCTACTGGGTGGATCCAAACCTTGGCTGCTCCTCTGACACCATCGAGGTCTCCTGCA[A>G]CTTCACTCATGGTGGACAGACGTGTCTCAAGCCCATCACGGCCTCCAAGGTACCCATCAG-3'
Protein context (NP_116277.2, residues 1713-1733): CSSDTIEVSC[Asn1723Ser]FTHGGQTCLK